The following is an entry in ClinVar:

NM_199420.4(POLQ):c.4909G>T (p.Asp1637Tyr)

Gene: POLQ (DNA polymerase theta; minus strand). Cytogenetic location: 3q13.33.
Variant type: single nucleotide variant.
Coding change: c.4909G>T on transcript NM_199420.4 (MANE Select); coding-DNA position 4909, G replaced by T.
Protein change: p.Asp1637Tyr; replaces aspartic acid 1637 with tyrosine.
Molecular consequence: missense variant.
Genome position (GRCh38, 1-based): chr3:121,488,022, C>A on the plus strand (G>T on the coding strand, the complement: POLQ is on the minus strand). VCF-style: chr3-121488022-C-A. GRCh37 (hg19) VCF-style: chr3-121206869-C-A.
Other names: short protein forms D1637Y.
Identifiers: ClinVar variation 1744021 (VCV001744021.2), dbSNP rs2048028629, ClinGen allele CA354093274.

ClinVar aggregate classification (germline): Uncertain significance (1 of 4 stars; one submission).

Allele frequency attached by ClinVar (database versions not stated): gnomAD exomes below 0.00001.
gnomAD v4.1: 3 of 1,613,800 alleles (0.00019%); highest among the groups gnomAD compares: Non-Finnish European, 0.00025%; no homozygotes.

Submission:

Ambry Genetics
Classification: Uncertain significance. Last evaluated: 2021-07-18. Review status: criteria provided, single submitter. Criteria: Ambry Variant Classification Scheme 2023. Collection method: clinical testing. Allele origin: germline.
Comment: The p.D1637Y variant (also known as c.4909G>T), located in coding exon 16 of the POLQ gene, results from a G to T substitution at nucleotide position 4909. The aspartic acid at codon 1637 is replaced by tyrosine, an amino acid with highly dissimilar properties. This amino acid position is conserved. In addition, this alteration is predicted to be tolerated by in silico analysis. Since supporting evidence is limited at this time, the clinical significance of this alteration remains unclear.